The following is an entry in ClinVar:

NM_015629.4(PRPF31):c.1147-1G>A

Gene: PRPF31 (pre-mRNA processing factor 31; plus strand). Cytogenetic location: 19q13.42.
Variant type: single nucleotide variant.
Coding change: c.1147-1G>A on transcript NM_015629.4 (MANE Select); the canonical splice acceptor site of the intron before coding-DNA position 1147, G replaced by A.
Molecular consequence: splice acceptor variant.
Genome position (GRCh38, 1-based): chr19:54,129,056, G>A. VCF-style: chr19-54129056-G-A. GRCh37 (hg19) VCF-style: chr19-54632431-G-A.
Identifiers: ClinVar variation 1515436 (VCV001515436.8), dbSNP rs2146449768, ClinGen allele CA407754322.

ClinVar aggregate classification (germline): Pathogenic (1 of 4 stars; one submission).

Submission:

Labcorp Genetics (formerly Invitae), Labcorp
Classification: Pathogenic. Last evaluated: 2022-10-28. Review status: criteria provided, single submitter. Criteria: Invitae Variant Classification Sherloc (09022015). Collection method: clinical testing. Allele origin: germline.
Comment: This variant is not present in population databases (gnomAD no frequency). For these reasons, this variant has been classified as Pathogenic. Algorithms developed to predict the effect of sequence changes on RNA splicing suggest that this variant may disrupt the consensus splice site. ClinVar contains an entry for this variant (Variation ID: 1515436). Disruption of this splice site has been observed in individuals with retinitis pigmentosa (Invitae). This sequence change affects an acceptor splice site in intron 11 of the PRPF31 gene. It is expected to disrupt RNA splicing. Variants that disrupt the donor or acceptor splice site typically lead to a loss of protein function (PMID: 16199547), and loss-of-function variants in PRPF31 are known to be pathogenic (PMID: 18317597, 23950152).

Literature cited by the submitters: PubMed 16199547; PubMed 18317597; PubMed 23950152.